The following is an entry in ClinVar:

ClinVar aggregate classification (germline): Uncertain significance. Review status: criteria provided, multiple submitters, no conflicts (2 of 4 stars). 6 submissions from 6 submitters: Uncertain significance (6). Last evaluated 2026-09-09.

Conditions:
VPS13B-related disorder. Also called: VPS13B-related condition.
Cohen syndrome (COH1). Also called: PEPPER SYNDROME; Cutis verticis gyrata, retinitis pigmentosa, and sensorineural deafness. Identifiers: Orphanet 193, MedGen C0265223, MONDO:0008999, OMIM 216550.

Allele frequency attached by ClinVar (database versions not stated): gnomAD exomes 0.00001 and 0.00004.

Submissions (6):

PreventionGenetics, part of Exact Sciences
Classification: Uncertain significance for VPS13B-related condition. Last evaluated: 2026-09-09. Review status: criteria provided, single submitter. Criteria: ACMG Guidelines, 2015. Collection method: clinical testing. Allele origin: germline.
Comment: The VPS13B c.6482T>C variant is predicted to result in the amino acid substitution p.Leu2161Pro. To our knowledge, this variant has not been reported in the literature. This variant is reported in 0.0023% of alleles in individuals of European (Non-Finnish) descent in gnomAD. At this time, the clinical significance of this variant is uncertain due to the absence of conclusive functional and genetic evidence.

Labcorp Genetics (formerly Invitae), Labcorp
Classification: Uncertain significance for Cohen syndrome. Last evaluated: 2022-09-15. Review status: criteria provided, single submitter. Criteria: Invitae Variant Classification Sherloc (09022015). Collection method: clinical testing. Allele origin: germline.
Comment: This sequence change replaces leucine, which is neutral and non-polar, with proline, which is neutral and non-polar, at codon 2186 of the VPS13B protein (p.Leu2186Pro). The frequency data for this variant in the population databases is considered unreliable, as metrics indicate poor data quality at this position in the gnomAD database. This variant has not been reported in the literature in individuals affected with VPS13B-related conditions. ClinVar contains an entry for this variant (Variation ID: 908545). Advanced modeling of protein sequence and biophysical properties (such as structural, functional, and spatial information, amino acid conservation, physicochemical variation, residue mobility, and thermodynamic stability) performed at Invitae indicates that this missense variant is expected to disrupt VPS13B protein function. In summary, the available evidence is currently insufficient to determine the role of this variant in disease. Therefore, it has been classified as a Variant of Uncertain Significance.

Blueprint Genetics
Classification: Uncertain significance. Last evaluated: 2020-03-03. Review status: criteria provided, single submitter. Criteria: ACMG Guidelines, 2015. Collection method: clinical testing. Allele origin: germline.

CeGaT Center for Human Genetics Tuebingen
Classification: Uncertain significance. Last evaluated: 2020-03-01. Review status: criteria provided, single submitter. Criteria: CeGaT Center For Human Genetics Tuebingen Variant Classification Criteria Version 2. Collection method: clinical testing. Allele origin: germline. Affected: yes. Observed: 3 variant alleles.

GeneDx
Classification: Uncertain significance. Last evaluated: 2019-12-17. Review status: criteria provided, single submitter. Criteria: GeneDx Variant Classification Process June 2021. Collection method: clinical testing. Allele origin: germline. Affected: yes.
Comment: Not observed at a significant frequency in large population cohorts (Lek et al., 2016); In silico analysis, which includes protein predictors and evolutionary conservation, supports a deleterious effect; Has not been previously published as pathogenic or benign to our knowledge

Illumina Laboratory Services, Illumina
Classification: Uncertain significance for Cohen syndrome. Last evaluated: 2018-01-13. Review status: criteria provided, single submitter. Criteria: ICSL Variant Classification Criteria 13 December 2019. Collection method: clinical testing. Allele origin: germline.

NM_152564.5(VPS13B):c.6482T>C (p.Leu2161Pro)

Gene: VPS13B (vacuolar protein sorting 13 homolog B; plus strand). Cytogenetic location: 8q22.2.
Variant type: single nucleotide variant.
Coding change: c.6482T>C on transcript NM_152564.5 (MANE Select); coding-DNA position 6482, T replaced by C.
Protein change: p.Leu2161Pro; replaces leucine 2161 with proline.
Molecular consequence: missense variant.
Genome position (GRCh38, 1-based): chr8:99,717,198, T>C. VCF-style: chr8-99717198-T-C. GRCh37 (hg19) VCF-style: chr8-100729426-T-C.
Other names: c.6482T>C (NM_152564.4); c.6557T>C, p.Leu2186Pro (NM_017890.5); short protein forms L2161P, L2186P.
Identifiers: ClinVar variation 908545 (VCV000908545.49), dbSNP rs1366756885, ClinGen allele CA371867131.